The following is an entry in ClinVar:

NM_002907.4(RECQL):c.526G>C (p.Glu176Gln)

Gene: RECQL (RecQ like helicase; minus strand). Cytogenetic location: 12p12.1.
Variant type: single nucleotide variant.
Coding change: c.526G>C on transcript NM_002907.4 (MANE Select); coding-DNA position 526, G replaced by C.
Protein change: p.Glu176Gln; replaces glutamic acid 176 with glutamine.
Molecular consequence: missense variant.
Genome position (GRCh38, 1-based): chr12:21,483,550, C>G on the plus strand (G>C on the coding strand, the complement: RECQL is on the minus strand). VCF-style: chr12-21483550-C-G. GRCh37 (hg19) VCF-style: chr12-21636484-C-G.
Other names: c.526G>C, p.Glu176Gln (NM_032941.3); short protein forms E176Q.
Identifiers: ClinVar variation 1746505 (VCV001746505.4), dbSNP rs991252519, ClinGen allele CA233574588.

ClinVar aggregate classification (germline): Uncertain significance. Review status: criteria provided, multiple submitters, no conflicts (2 of 4 stars). 2 submissions from 2 submitters: Uncertain significance (2). Last evaluated 2025-08-19.

Allele frequency attached by ClinVar (database versions not stated): TOPMed below 0.00001; gnomAD 0.00001.
gnomAD v4.1: 1 of 1,576,684 alleles (0.000063%); highest among the groups gnomAD compares: African/African-American, 0.0014%; no homozygotes.

Submissions (2):

Ambry Genetics
Classification: Uncertain significance. Last evaluated: 2025-08-19. Review status: criteria provided, single submitter. Criteria: Ambry Variant Classification Scheme 2023. Collection method: clinical testing. Allele origin: germline.
Comment: The p.E176Q variant (also known as c.526G>C), located in coding exon 5 of the RECQL gene, results from a G to C substitution at nucleotide position 526. The glutamic acid at codon 176 is replaced by glutamine, an amino acid with highly similar properties. This amino acid position is well conserved in available vertebrate species. In addition, this alteration is predicted to be tolerated by in silico analysis. Since supporting evidence is limited at this time, the clinical significance of this alteration remains unclear.

GeneDx
Classification: Uncertain significance. Last evaluated: 2022-09-23. Review status: criteria provided, single submitter. Criteria: GeneDx Variant Classification Process June 2021. Collection method: clinical testing. Allele origin: germline. Affected: yes.
Comment: Not observed at significant frequency in large population cohorts (gnomAD); In silico analysis supports that this missense variant does not alter protein structure/function; Has not been previously published as pathogenic or benign to our knowledge; This variant is associated with the following publications: (PMID: 19151156, 27248010)